The following is an entry in ClinVar:

NM_001039591.3(USP9X):c.1108C>T (p.His370Tyr)

Gene: USP9X (ubiquitin specific peptidase 9 X-linked; plus strand). Cytogenetic location: Xp11.4.
Variant type: single nucleotide variant.
Coding change: c.1108C>T on transcript NM_001039591.3 (MANE Select); coding-DNA position 1108, C replaced by T.
Protein change: p.His370Tyr; replaces histidine 370 with tyrosine.
Molecular consequence: missense variant.
Genome position (GRCh38, 1-based): chrX:41,141,378, C>T. VCF-style: chrX-41141378-C-T. GRCh37 (hg19) VCF-style: chrX-41000631-C-T.
Other names: c.1108C>T, p.His370Tyr (NM_001039590.3, NM_001410748.1, NM_001410749.1); short protein forms H370Y.
Identifiers: ClinVar variation 3369037 (VCV003369037.3).

ClinVar aggregate classification (germline): Uncertain significance. Review status: criteria provided, multiple submitters, no conflicts (2 of 4 stars). 2 submissions from 2 submitters: Uncertain significance (2). Last evaluated 2025-10-02.

Conditions:
Inborn genetic diseases. Identifiers: MedGen C0950123, MeSH D030342.

Submissions (2):

Ambry Genetics
Classification: Uncertain significance for Inborn genetic diseases. Last evaluated: 2025-10-02. Review status: criteria provided, single submitter. Criteria: Ambry Variant Classification Scheme 2023. Collection method: clinical testing. Allele origin: germline.
Comment: The c.1108C>T (p.H370Y) alteration is located in exon 9 (coding exon 8) of the USP9X gene. This alteration results from a C to T substitution at nucleotide position 1108, causing the histidine (H) at amino acid position 370 to be replaced by a tyrosine (Y). This variant was not reported in population-based cohorts in the Genome Aggregation Database (gnomAD). This amino acid position is highly conserved in available vertebrate species. This missense alteration is located in a region that has a low rate of benign missense variation (Lek, 2016; Firth, 2009). This alteration is predicted to be deleterious by in silico analysis. Based on insufficient or conflicting evidence, the clinical significance of this alteration remains unclear.

GeneDx
Classification: Uncertain significance. Last evaluated: 2024-02-12. Review status: criteria provided, single submitter. Criteria: GeneDx Variant Classification Process June 2021. Collection method: clinical testing. Allele origin: germline. Affected: yes.
Comment: Not observed at significant frequency in large population cohorts (gnomAD); In silico analysis supports that this missense variant has a deleterious effect on protein structure/function; Has not been previously published as pathogenic or benign to our knowledge